The following is an entry in ClinVar:

NM_001148.6(ANK2):c.11693A>T (p.Lys3898Met)

Gene: ANK2 (ankyrin 2; plus strand). Cytogenetic location: 4q26.
Variant type: single nucleotide variant.
Coding change: c.11693A>T on transcript NM_001148.6 (MANE Select); coding-DNA position 11693, A replaced by T.
Protein change: p.Lys3898Met; replaces lysine 3898 with methionine.
Molecular consequence: missense variant. On other transcripts: intron variant (1).
Genome position (GRCh38, 1-based): chr4:113,373,172, A>T. VCF-style: chr4-113373172-A-T. GRCh37 (hg19) VCF-style: chr4-114294328-A-T.
Other names: c.5411A>T, p.Lys1804Met (NM_001127493.3); c.5450A>T, p.Lys1817Met (NM_001354225.2); c.5432A>T, p.Lys1811Met (NM_001354228.2); c.5417A>T, p.Lys1806Met (NM_001354230.2); c.5573A>T, p.Lys1858Met (NM_001354231.2); c.5567A>T, p.Lys1856Met (NM_001354232.2); c.5528A>T, p.Lys1843Met (NM_001354235.2); c.5336A>T, p.Lys1779Met (NM_001354236.2); and 44 more; short protein forms K1742M, K1751M, K1759M, K1761M, K1766M, K1771M, K1812M, K1822M.
Identifiers: ClinVar variation 1738875 (VCV001738875.2), dbSNP rs2508422216, ClinGen allele CA357943498.

ClinVar aggregate classification (germline): Uncertain significance (1 of 4 stars; one submission).

Conditions:
Cardiovascular phenotype. Identifiers: MedGen CN230736.

Submission:

Ambry Genetics
Classification: Uncertain significance for Cardiovascular phenotype. Last evaluated: 2020-08-10. Review status: criteria provided, single submitter. Criteria: Ambry Variant Classification Scheme 2023. Collection method: clinical testing. Allele origin: germline.
Comment: The p.K3898M variant (also known as c.11693A>T), located in coding exon 44 of the ANK2 gene, results from an A to T substitution at nucleotide position 11693. The lysine at codon 3898 is replaced by methionine, an amino acid with similar properties. This amino acid position is highly conserved in available vertebrate species. In addition, this alteration is predicted to be deleterious by in silico analysis. Since supporting evidence is limited at this time, the clinical significance of this alteration remains unclear.